The following is an entry in ClinVar:

ClinVar aggregate classification (germline): Uncertain significance (1 of 4 stars; one submission).

Allele frequency attached by ClinVar (database versions not stated): ExAC 0.00001; gnomAD exomes 0.00002.
gnomAD v4.1: 8 of 1,609,560 alleles (0.0005%); highest among the groups gnomAD compares: East Asian, 0.011%; no homozygotes.

Submission:

Labcorp Genetics (formerly Invitae), Labcorp
Classification: Uncertain significance. Last evaluated: 2022-07-19. Review status: criteria provided, single submitter. Criteria: Invitae Variant Classification Sherloc (09022015). Collection method: clinical testing. Allele origin: germline.
Comment: This sequence change replaces glycine with arginine at codon 1674 of the MYO18B protein (p.Gly1674Arg). The glycine residue is weakly conserved and there is a moderate physicochemical difference between glycine and arginine. This variant is present in population databases (rs757287380, gnomAD 0.03%). This missense change has been observed in individual(s) with Klippel-Feil syndrome (PMID: 32278351). ClinVar contains an entry for this variant (Variation ID: 1390843). Algorithms developed to predict the effect of missense changes on protein structure and function output the following: SIFT: "Not Available"; PolyPhen-2: "Benign"; Align-GVGD: "Not Available". The arginine amino acid residue is found in multiple mammalian species, which suggests that this missense change does not adversely affect protein function. In summary, the available evidence is currently insufficient to determine the role of this variant in disease. Therefore, it has been classified as a Variant of Uncertain Significance.

Literature cited by the submitters: PubMed 32278351.

NM_032608.7(MYO18B):c.5020G>A (p.Gly1674Arg)

Gene: MYO18B (myosin XVIIIB; plus strand). Cytogenetic location: 22q12.1.
Variant type: single nucleotide variant.
Coding change: c.5020G>A on transcript NM_032608.7 (MANE Select); coding-DNA position 5020, G replaced by A.
Protein change: p.Gly1674Arg; replaces glycine 1674 with arginine.
Molecular consequence: missense variant.
Genome position (GRCh38, 1-based): chr22:25,903,703, G>A. VCF-style: chr22-25903703-G-A. GRCh37 (hg19) VCF-style: chr22-26299670-G-A.
Other names: c.5023G>A, p.Gly1675Arg (NM_001318245.2); short protein forms G1674R, G1675R.
Identifiers: ClinVar variation 1390843 (VCV001390843.5), dbSNP rs757287380, ClinGen allele CA10161045.
Genomic context (GRCh38, chr22:25,903,703, plus strand): 5'-GAAGCCTCACAGCTGAAGCAGCAGGTGGAGATGCTACAGGACCATAAACGGGAGCTGCTG[G>A]GGTCACCCTCTCTGGGGGAAAATTGCGTTGCTGGCTTGAAGGAGAGGCTCTGGAAGTTGG-3'
Protein context (NP_115997.5, residues 1664-1684): MLQDHKRELL[Gly1674Arg]SPSLGENCVA